The following is an entry in ClinVar:

ClinVar aggregate classification (germline): Uncertain significance (1 of 4 stars; one submission).

Conditions:
Bardet-Biedl syndrome (BBS). Identifiers: Orphanet 110, MedGen C0752166, MONDO:0015229.

Allele frequency attached by ClinVar (database versions not stated): ESP Exome Variant Server 0.00008.

Submission:

Labcorp Genetics (formerly Invitae), Labcorp
Classification: Uncertain significance for Bardet-Biedl syndrome. Last evaluated: 2024-01-17. Review status: criteria provided, single submitter. Criteria: Invitae Variant Classification Sherloc (09022015). Collection method: clinical testing. Allele origin: germline.
Comment: This sequence change replaces aspartic acid, which is acidic and polar, with asparagine, which is neutral and polar, at codon 336 of the BBS2 protein (p.Asp336Asn). This variant is not present in population databases (gnomAD no frequency). This variant has not been reported in the literature in individuals affected with BBS2-related conditions. ClinVar contains an entry for this variant (Variation ID: 2095598). Advanced modeling of protein sequence and biophysical properties (such as structural, functional, and spatial information, amino acid conservation, physicochemical variation, residue mobility, and thermodynamic stability) performed at Invitae indicates that this missense variant is not expected to disrupt BBS2 protein function with a negative predictive value of 80%. In summary, the available evidence is currently insufficient to determine the role of this variant in disease. Therefore, it has been classified as a Variant of Uncertain Significance.

NM_031885.5(BBS2):c.1006G>A (p.Asp336Asn)

Gene: BBS2 (Bardet-Biedl syndrome 2; minus strand). Cytogenetic location: 16q13.
Variant type: single nucleotide variant.
Coding change: c.1006G>A on transcript NM_031885.5 (MANE Select); coding-DNA position 1006, G replaced by A.
Protein change: p.Asp336Asn; replaces aspartic acid 336 with asparagine.
Molecular consequence: missense variant. On other transcripts: non-coding transcript variant (5).
Genome position (GRCh38, 1-based): chr16:56,502,391, C>T on the plus strand (G>A on the coding strand, the complement: BBS2 is on the minus strand). VCF-style: chr16-56502391-C-T. GRCh37 (hg19) VCF-style: chr16-56536303-C-T.
Other names: c.1006G>A, p.Asp336Asn (NM_001377456.1); short protein forms D336N.
Identifiers: ClinVar variation 2095598 (VCV002095598.4), dbSNP rs369493520, ClinGen allele CA281481217.